The following is an entry in ClinVar:

NM_000038.6(APC):c.1452_1455del (p.Glu484fs)

Gene: APC (APC regulator of Wnt signaling pathway; plus strand). Cytogenetic location: 5q22.2.
Variant type: Deletion.
Coding change: c.1452_1455del on transcript NM_000038.6 (MANE Select); coding-DNA positions 1452 to 1455, 4 bases deleted (AATG; older notation c.1452_1455delAATG).
Protein change: p.Glu484fs; shifts the reading frame from glutamic acid 484.
Molecular consequence: frameshift variant.
Genome position (GRCh38, 1-based): chr5:112,827,151-112,827,154, AATG deleted. VCF-style (leftmost placement, unchanged base first): chr5-112827150-AAATG-A. GRCh37 (hg19) VCF-style: chr5-112162847-AAATG-A.
Other names: c.1452_1455del, p.Glu484fs (NM_001127510.3, NM_001354895.2, NM_001407450.1); c.1398_1401del, p.Glu466fs (NM_001127511.3); c.1506_1509del, p.Glu502fs (NM_001354896.2, NM_001407447.1, NM_001407448.1 and 1 more transcripts); c.1482_1485del, p.Glu494fs (NM_001354897.2); c.1377_1380del, p.Glu459fs (NM_001354898.2); c.1368_1371del, p.Glu456fs (NM_001354899.2); c.1329_1332del, p.Glu443fs (NM_001354900.2); c.1275_1278del, p.Glu425fs (NM_001354901.2, NM_001407453.1); and 11 more; short protein forms E100fs, E201fs, E324fs, E355fs, E358fs, E383fs, E393fs, E401fs.
Identifiers: ClinVar variation 2583908 (VCV002583908.1), dbSNP rs2533195021, ClinGen allele CA2582341326.
Genomic context (GRCh38, chr5:112,827,150, plus strand): 5'-TTGCCCTTTTTAAATTAGGGGGACTACAGGCCATTGCAGAATTATTGCAAGTGGACTGTG[AAATG>A]TATGGGCTTACTAATGACCACTACAGTATTACACTAAGACGATATGCTGGAATGGCTTTG-3'

ClinVar aggregate classification (germline): Pathogenic (1 of 4 stars; one submission).

Conditions:
Familial adenomatous polyposis 1 (FAP1). Also called: FAMILIAL ADENOMATOUS POLYPOSIS 1, ATTENUATED; POLYPOSIS, ADENOMATOUS INTESTINAL. Identifiers: MedGen C2713442, MONDO:0021056, OMIM 175100. Disease mechanism: loss of function.

Submission:

Myriad Genetics, Inc.
Classification: Pathogenic for Familial adenomatous polyposis 1. Last evaluated: 2023-05-01. Review status: criteria provided, single submitter. Criteria: Myriad Autosomal Dominant, Autosomal Recessive and X-Linked Classification Criteria (2023). Collection method: clinical testing. Allele origin: unknown.
Comment: This variant is considered pathogenic. This variant creates a frameshift predicted to result in premature protein truncation.